The following is an entry in ClinVar:

NM_001130438.3(SPTAN1):c.5065G>A (p.Glu1689Lys)

Gene: SPTAN1 (spectrin alpha, non-erythrocytic 1; plus strand). Cytogenetic location: 9q34.11.
Variant type: single nucleotide variant.
Coding change: c.5065G>A on transcript NM_001130438.3 (MANE Select); coding-DNA position 5065, G replaced by A.
Protein change: p.Glu1689Lys; replaces glutamic acid 1689 with lysine.
Molecular consequence: missense variant.
Genome position (GRCh38, 1-based): chr9:128,613,402, G>A. VCF-style: chr9-128613402-G-A. GRCh37 (hg19) VCF-style: chr9-131375681-G-A.
Other names: c.4990G>A, p.Glu1664Lys (NM_001195532.2); c.5065G>A, p.Glu1689Lys (NM_001363759.2, NM_001375310.1, NM_001375311.2 and 1 more transcripts); c.5005G>A, p.Glu1669Lys (NM_001363765.2, NM_001375314.2); c.5101G>A, p.Glu1701Lys (NM_001375312.2, NM_001375318.1); c.5050G>A, p.Glu1684Lys (NM_003127.4); short protein forms E1701K, E1664K, E1669K, E1689K, E1684K.
Identifiers: ClinVar variation 3322411 (VCV003322411.1).
Genomic context (GRCh38, chr9:128,613,402, plus strand): 5'-CCACACAGTAGCCTTTGCTTTTTGTGTTTTCATTGCCAGGTGGAGGCCCTGCTGGCATCC[G>A]AAGATTATGGCAAAGACCTAGCTTCTGTGAACAACCTGCTGAAAAAGCATCAACTGCTGG-3'
Protein context (NP_001123910.1, residues 1679-1699): LSEVEALLAS[Glu1689Lys]DYGKDLASVN

ClinVar aggregate classification (germline): Uncertain significance (1 of 4 stars; one submission).

Conditions:
Inborn genetic diseases. Identifiers: MedGen C0950123, MeSH D030342.

gnomAD v4.1: 5 of 1,614,214 alleles (0.00031%); highest among the groups gnomAD compares: South Asian, 0.0011%; no homozygotes.

Submission:

Ambry Genetics
Classification: Uncertain significance for Inborn genetic diseases. Last evaluated: 2024-05-09. Review status: criteria provided, single submitter. Criteria: Ambry Variant Classification Scheme 2023. Collection method: clinical testing. Allele origin: germline.
Comment: The c.5065G>A (p.E1689K) alteration is located in exon 40 (coding exon 39) of the SPTAN1 gene. This alteration results from a G to A substitution at nucleotide position 5065, causing the glutamic acid (E) at amino acid position 1689 to be replaced by a lysine (K). This variant was not reported in population-based cohorts in the Genome Aggregation Database (gnomAD). This amino acid position is highly conserved in available vertebrate species. The in silico prediction for this alteration is inconclusive. Based on insufficient or conflicting evidence, the clinical significance of this alteration remains unclear.